The following is an entry in ClinVar:

NM_001039591.3(USP9X):c.1475G>A (p.Arg492His)

Gene: USP9X (ubiquitin specific peptidase 9 X-linked; plus strand). Cytogenetic location: Xp11.4.
Variant type: single nucleotide variant.
Coding change: c.1475G>A on transcript NM_001039591.3 (MANE Select); coding-DNA position 1475, G replaced by A.
Protein change: p.Arg492His; replaces arginine 492 with histidine.
Molecular consequence: missense variant.
Genome position (GRCh38, 1-based): chrX:41,148,424, G>A. VCF-style: chrX-41148424-G-A. GRCh37 (hg19) VCF-style: chrX-41007677-G-A.
Other names: c.1475G>A, p.Arg492His (NM_001039590.3, NM_001410748.1, NM_001410749.1); short protein forms R492H.
Identifiers: ClinVar variation 3774158 (VCV003774158.1).
Genomic context (GRCh38, chrX:41,148,424, plus strand): 5'-TCTAGGCCAGTTGGACAAATGCGAGTAAAAAGCAACGTGAAAAGCTACTTGAGCTGATAC[G>A]TCGTCTTGCAGAAGATGATAAAGATGGTGTGATGGCACACAAAGTGTTGAACCTTCTGTG-3'
Protein context (NP_001034680.2, residues 482-502): KQREKLLELI[Arg492His]RLAEDDKDGV

ClinVar aggregate classification (germline): Uncertain significance (1 of 4 stars; one submission).

Submission:

GeneDx
Classification: Uncertain significance. Last evaluated: 2024-09-18. Review status: criteria provided, single submitter. Criteria: GeneDx Variant Classification Process June 2021. Collection method: clinical testing. Allele origin: germline. Affected: yes.
Comment: Not observed at significant frequency in large population cohorts (gnomAD); In silico analysis supports that this missense variant has a deleterious effect on protein structure/function; Has not been previously published as pathogenic or benign to our knowledge